The following is an entry in ClinVar:

ClinVar aggregate classification (germline): Uncertain significance. Review status: criteria provided, multiple submitters, no conflicts (2 of 4 stars). 2 submissions from 2 submitters: Uncertain significance (2). Last evaluated 2024-03-07.

Conditions:
Radio-Tartaglia syndrome. Identifiers: Orphanet 662234, MedGen C5543339, MONDO:0859143, OMIM 619312.

Allele frequency attached by ClinVar (database versions not stated): gnomAD 0.00001.
gnomAD v4.1: 1 of 1,610,006 alleles (0.000062%); highest among the groups gnomAD compares: Admixed American, 0.0017%; no homozygotes.

Submissions (2):

Revvity Omics, Revvity
Classification: Uncertain significance for Radio-Tartaglia syndrome. Last evaluated: 2024-03-07. Review status: criteria provided, single submitter. Criteria: ACMG Guidelines, 2015. Collection method: clinical testing. Allele origin: germline.

GeneDx
Classification: Uncertain significance. Last evaluated: 2023-02-24. Review status: criteria provided, single submitter. Criteria: GeneDx Variant Classification Process June 2021. Collection method: clinical testing. Allele origin: germline. Affected: yes.
Comment: Not observed at significant frequency in large population cohorts (gnomAD); In silico analysis supports that this missense variant does not alter protein structure/function; Has not been previously published as pathogenic or benign to our knowledge

NM_015001.3(SPEN):c.10031C>A (p.Pro3344His)

Gene: SPEN (spen family transcriptional repressor; plus strand). Cytogenetic location: 1p36.13.
Variant type: single nucleotide variant.
Coding change: c.10031C>A on transcript NM_015001.3 (MANE Select); coding-DNA position 10031, C replaced by A.
Protein change: p.Pro3344His; replaces proline 3344 with histidine.
Molecular consequence: missense variant.
Genome position (GRCh38, 1-based): chr1:15,937,167, C>A. VCF-style: chr1-15937167-C-A. GRCh37 (hg19) VCF-style: chr1-16263662-C-A.
Other names: short protein forms P3344H.
Identifiers: ClinVar variation 2430646 (VCV002430646.2), dbSNP rs2071283919, ClinGen allele CA338661072.
Genomic context (GRCh38, chr1:15,937,167, plus strand): 5'-AGGGGCTTGTGCACAACAGACTGACTCTGTCCCTTTGCCTTCCTTCCCTACACCAGGGCC[C>A]TCCTCCTGAAGGTGAGCCCCTGCAGCCTCCTCAGCCTGTGCAGTCCACACAGCCTGCCCA-3'
Protein context (NP_055816.2, residues 3334-3354): PSRTKTAAQG[Pro3344His]PPEGEPLQPP